The following is an entry in ClinVar:

NM_021813.4(BACH2):c.2191C>T (p.Pro731Ser)

Gene: BACH2 (BACH transcriptional regulator 2; minus strand). Cytogenetic location: 6q15.
Variant type: single nucleotide variant.
Coding change: c.2191C>T on transcript NM_021813.4 (MANE Select); coding-DNA position 2191, C replaced by T.
Protein change: p.Pro731Ser; replaces proline 731 with serine.
Molecular consequence: missense variant.
Genome position (GRCh38, 1-based): chr6:89,932,743, G>A on the plus strand (C>T on the coding strand, the complement: BACH2 is on the minus strand). VCF-style: chr6-89932743-G-A. GRCh37 (hg19) VCF-style: chr6-90642462-G-A.
Other names: c.2191C>T, p.Pro731Ser (NM_001170794.2); c.2191C>T (NM_021813.2); short protein forms P731S.
Identifiers: ClinVar variation 3012828 (VCV003012828.4), dbSNP rs147787294, ClinGen allele CA3927846.

ClinVar aggregate classification (germline): Uncertain significance. Review status: criteria provided, multiple submitters, no conflicts (2 of 4 stars). 2 submissions from 2 submitters: Uncertain significance (2). Last evaluated 2025-12-08.

Allele frequency attached by ClinVar (database versions not stated): ExAC 0.00001; gnomAD 0.00001; gnomAD exomes 0.00001; TOPMed 0.00002; ESP Exome Variant Server 0.00008.
gnomAD v4.1: 5 of 1,614,044 alleles (0.00031%); highest among the groups gnomAD compares: Non-Finnish European, 0.00034%; no homozygotes.

Submissions (2):

Ambry Genetics
Classification: Uncertain significance. Last evaluated: 2025-12-08. Review status: criteria provided, single submitter. Criteria: Ambry Variant Classification Scheme 2023. Collection method: clinical testing. Allele origin: germline.

Labcorp Genetics (formerly Invitae), Labcorp
Classification: Uncertain significance. Last evaluated: 2024-08-19. Review status: criteria provided, single submitter. Criteria: Invitae Variant Classification Sherloc (09022015). Collection method: clinical testing. Allele origin: germline.
Comment: This sequence change replaces proline, which is neutral and non-polar, with serine, which is neutral and polar, at codon 731 of the BACH2 protein (p.Pro731Ser). This variant is present in population databases (rs147787294, gnomAD 0.004%). This variant has not been reported in the literature in individuals affected with BACH2-related conditions. Invitae Evidence Modeling of protein sequence and biophysical properties (such as structural, functional, and spatial information, amino acid conservation, physicochemical variation, residue mobility, and thermodynamic stability) indicates that this missense variant is not expected to disrupt BACH2 protein function with a negative predictive value of 80%. In summary, the available evidence is currently insufficient to determine the role of this variant in disease. Therefore, it has been classified as a Variant of Uncertain Significance.